The following is an entry in ClinVar:

NM_000059.4(BRCA2):c.1216_1219delinsACCG (p.Ala406_Gln407delinsThrGlu)

Gene: BRCA2 (BRCA2 DNA repair associated; plus strand). Cytogenetic location: 13q13.1.
Variant type: Indel.
Coding change: c.1216_1219delinsACCG on transcript NM_000059.4 (MANE Select); coding-DNA positions 1216 to 1219, GCCC replaced by ACCG.
Protein change: p.Ala406_Gln407delinsThrGlu.
Molecular consequence: missense variant.
Genome position (GRCh38, 1-based): chr13:32,332,694-32,332,697, GCCC replaced by ACCG. VCF-style: chr13-32332694-GCCC-ACCG. GRCh37 (hg19) VCF-style: chr13-32906831-GCCC-ACCG.
Other names: c.1216_1219delGCCCinsACCG (NM_000059.3).
Identifiers: ClinVar variation 182308 (VCV000182308.12), dbSNP rs886037742, ClinGen allele CA10575688.
Genomic context (GRCh38, chr13:32,332,694, plus strand): 5'-GAAGTTGTACCGTCTTTGGCCTGTGAATGGTCTCAACTAACCCTTTCAGGTCTAAATGGA[GCCC>ACCG]AGATGGAGAAAATACCCCTATTGCATATTTCTTCATGTGACCAAAATATTTCAGAAAAAG-3'

ClinVar aggregate classification (germline): Conflicting classifications of pathogenicity. Review status: criteria provided, conflicting classifications (1 of 4 stars). 6 submissions from 6 submitters: Uncertain significance (4); Likely benign (1). 1 of the submissions does not count toward it. Last evaluated 2023-12-11.

Conditions:
Hereditary cancer-predisposing syndrome. Also called: Tumor predisposition; Hereditary Cancer Syndrome; Hereditary neoplastic syndrome; Neoplastic Syndromes, Hereditary. Identifiers: Orphanet 140162, MedGen C0027672, MeSH D009386, MONDO:0015356.
Hereditary breast ovarian cancer syndrome. Also called: Breast and ovarian cancer; Hereditary breast and ovarian cancer syndrome; Hereditary breast and ovarian cancer; BRCA1- and BRCA2-Associated Hereditary Breast and Ovarian Cancer; Hereditary breast and ovarian cancer syndrome (HBOC); Hereditary breast and/or ovarian cancer syndrome. Identifiers: Orphanet 145, MedGen C0677776, MeSH D061325, MONDO:0003582. Disease mechanism: loss of function.
Breast-ovarian cancer, familial, susceptibility to, 2 (BROVCA2). Also called: BRCA2 Hereditary Breast and Ovarian Cancer. Identifiers: Orphanet 145, MedGen C2675520, MONDO:0012933, OMIM 612555. Disease mechanism: loss of function.

Submissions (6):

GeneDx
Classification: Uncertain significance. Last evaluated: 2023-12-11. Review status: criteria provided, single submitter. Criteria: GeneDx Variant Classification Process June 2021. Collection method: clinical testing. Allele origin: germline. Affected: yes.
Comment: In-frame deletion and insertion of four amino acids in a non-repeat region; Not observed at significant frequency in large population cohorts (gnomAD); In silico analysis supports that this variant does not alter protein structure/function; Also known as 1444_1447delGCCCinsACCG; This variant is associated with the following publications: (PMID: 33808557, 33273034, 33471991, 22711857, 21120943)

University of Washington Department of Laboratory Medicine, University of Washington
Classification: Likely benign for Hereditary cancer-predisposing syndrome. Last evaluated: 2023-03-23. Review status: criteria provided, single submitter. Criteria: Dines et al. (Genet Med. 2020). Collection method: curation. Allele origin: germline.
Comment: Missense variant in a coldspot region where missense variants are very unlikely to be pathogenic (PMID:31911673).

BRCA2 exon 11 coldspot. Reclassification based on statistical prior probability.

Women's Health and Genetics/Laboratory Corporation of America, LabCorp
Classification: Uncertain significance. Last evaluated: 2022-09-02. Review status: criteria provided, single submitter. Criteria: LabCorp Variant Classification Summary - May 2015. Collection method: clinical testing. Allele origin: germline.
Comment: Variant summary: BRCA2 c.1216_1219delinsACCG (p.Ala406_Gln407delinsThrGlu) results in an in-frame deletion-insertion that that replaces two adjacent amino acids (alanine and glutamine) at codons 406-407 with two different amino acids (threonine and glutamic acid). This variant is reported as two separate single-nucleotide changes (i.e. c.1216G>A (p.Ala406Thr) and c.1219C>G (p. Gln407Glu)) in the gnomAD database, however read data indicate that these variants were found in cis, therefore the variant allele is likely found at a frequency of 1.1e-05 in ~281500 control chromosomes. The variant was absent in 281524 control chromosomes. The available data on variant occurrences in the general population are insufficient to allow any conclusion about variant significance. The c.1216G>A and c.1219C>G variants have been reported together in multiple cohorts of individuals who had personal and/or family history of breast/ovarian cancer (Caux-Moncoutier_2011, Alsop_2012, Dorling_2021). However, these reports do not specify whether the two variants were observed together in the same individuals or separately in different individuals. A recent study reported the two component variants (c.1216G>A and c.1219C>G) in an endometrioid adenocarcinoma patient (Akaev_2021), however the phase of these variants was not specified. On the other hand, a co-occurrence of the c.1216G>A and c.1219C>G variants (phase not specified) with another pathogenic variant (BRCA2 c.3599_3600del (p.Cys1200X); in LOVD) has also been reported in a breast cancer patient, providing supporting evidence for a benign role. Furthermore, one study reported the variant c.1216_1219delinsACCG in an ovarian cancer patient (Hauke_2020). To our knowledge, no experimental evidence demonstrating its impact on protein function have been reported. Three clinical diagnostic laboratories have submitted clinical-significance assessments for this variant to ClinVar after 2014, and all of them classified the variant as uncertain significance. Based on the evidence outlined above, the variant was classified as uncertain significance.

Ambry Genetics
Classification: Uncertain significance for Hereditary cancer-predisposing syndrome. Last evaluated: 2021-09-30. Review status: criteria provided, single submitter. Criteria: Ambry Variant Classification Scheme 2023. Collection method: clinical testing. Allele origin: germline.
Comment: The c.1216_1219delGCCCinsACCG variant (also known as p.A406_Q407delinsTE), located in coding exon 9 of the BRCA2 gene, results from an in-frame deletion of GCCC and insertion of ACCG at nucleotide positions 1216 to 1219. This results in the substitution of alanine and glutamine residues for a threonine and glutamate at codon 406 and 407. This amino acid region is not well conserved in available vertebrate species. In addition, this alteration is predicted to be neutral by in silico analysis (Choi Y et al. PLoS ONE. 2012; 7(10):e46688). Since supporting evidence is limited at this time, the clinical significance of this alteration remains unclear.

Labcorp Genetics (formerly Invitae), Labcorp
Classification: Uncertain significance for Hereditary breast ovarian cancer syndrome. Last evaluated: 2020-12-24. Review status: criteria provided, single submitter. Criteria: Invitae Variant Classification Sherloc (09022015). Collection method: clinical testing. Allele origin: germline.
Comment: In summary, the available evidence is currently insufficient to determine the role of this variant in disease. Therefore, it has been classified as a Variant of Uncertain Significance. This is a complex sequence change that replaces alanine and glutamine with threonine and glutamic acid at codons 406-407 of the BRCA2 protein (p.Ala406_Gln407delinsThrGlu). This variant is reported as two separate single-nucleotide changes in population databases (c.1216G>A, ExAC 0.001% and c.1219C>G, ExAC 0.001%). However, in the read data for the two individuals displayed in the ExAC browser, these two variants are in cis. This recapitulates the variant observed here (c.1216_1219delinsACCG) and indicates that this variant is very likely present in the population databases at 0.001%. The p.Ala406Thr and p.Gln407Glu variants have been reported in individuals affected with hereditary breast and/or ovarian cancer (PMID: 21120943, 22711857) and also co-occurred with a BRCA2 pathogenic allele in an individual with breast cancer in the Leiden Open-source Variation Database (PMID: 21520333). However, these publications do not specify whether the two variants were observed together in a single individual or separately in different individuals. ClinVar contains an entry for this variant (Variation ID: 182308). Experimental studies and prediction algorithms are not available for this variant, and the functional significance of the disrupted amino acids is currently unknown.

Department of Pathology and Laboratory Medicine, Sinai Health System
Classification: Uncertain significance for Breast-ovarian cancer, familial, susceptibility to, 2. Review status: no assertion criteria provided. Collection method: clinical testing. Allele origin: unknown. Affected: yes. Observed: 1 variant allele. Study: The Canadian Open Genetics Repository (COGR). Not counted in ClinVar's aggregate classification.
Comment: The BRCA2 p.Ala406_Gln407delinsThrGlu variant was not identified in the literature nor was it identified in the LOVD 3.0 or UMD-LSDB databases. The variant was identified in dbSNP (ID: rs886037742) as "With Uncertain significance allele" and ClinVar (classified as uncertain significance by GeneDx and Invitae). The variant was not identified in the following control databases: the Exome Aggregation Consortium (August 8th 2016) or the Genome Aggregation Database (Feb 27, 2017). This variant is an in-frame deletion-insertion resulting in the removal of an Alanine (Ala) residue at codon 406 and Glutamine (Gln) residue at codon 407 and insertion of Threonine (Thr) and Glutamate (Glu); the impact of this alteration on BRCA2 protein function is not known. In silico or computational prediction software programs (SpliceSiteFinder, MaxEntScan, NNSPLICE, GeneSplicer) do not predict a greater than 10% difference in splicing. In summary, based on the above information, the clinical significance of this variant cannot be determined with certainty at this time. This variant is classified as a variant of uncertain significance.

Literature cited by the submitters: PubMed 22711857 (cited by Women's Health and Genetics/Laboratory Corporation of America, LabCorp and Labcorp Genetics (formerly Invitae), Labcorp); PubMed 21120943 (cited by Women's Health and Genetics/Laboratory Corporation of America, LabCorp and Labcorp Genetics (formerly Invitae), Labcorp); PubMed 33471991 (cited by Women's Health and Genetics/Laboratory Corporation of America, LabCorp); PubMed 33808557 (cited by Women's Health and Genetics/Laboratory Corporation of America, LabCorp); PubMed 33273034 (cited by Women's Health and Genetics/Laboratory Corporation of America, LabCorp); PubMed 21520333 (cited by Labcorp Genetics (formerly Invitae), Labcorp).